The following is an entry in ClinVar:

ClinVar aggregate classification (germline): Benign. Review status: criteria provided, multiple submitters, no conflicts (2 of 4 stars). 3 submissions from 3 submitters: Benign (3). Last evaluated 2024-01-24.

Allele frequency attached by ClinVar (database versions not stated): 1000 Genomes Project 0.20427; 1000 Genomes Project 30x 0.21096; gnomAD exomes 0.22609; gnomAD 0.22977 and 0.23258; TOPMed 0.23388.
gnomAD v4.1: 334,442 of 1,478,688 alleles (23%); highest among the groups gnomAD compares: Middle Eastern, 27%; 39,211 homozygotes.

Submissions (3):

Unidad de Genómica Garrahan, Hospital de Pediatría Garrahan
Classification: Benign. Last evaluated: 2024-01-24. Review status: criteria provided, single submitter. Criteria: ACMG Guidelines, 2015. Collection method: clinical testing. Allele origin: germline. Affected: no. Observed: 43 variant alleles.
Comment: This variant is classified as Benign based on local population frequency. This variant was detected in 45% of patients studied by a panel of primary immunodeficiencies. Number of patients: 43. Only high quality variants are reported.

GeneDx
Classification: Benign. Last evaluated: 2018-06-14. Review status: criteria provided, single submitter. Criteria: GeneDx Variant Classification (06012015). Collection method: clinical testing. Allele origin: germline. Affected: yes.
Comment: This variant is considered likely benign or benign based on one or more of the following criteria: it is a conservative change, it occurs at a poorly conserved position in the protein, it is predicted to be benign by multiple in silico algorithms, and/or has population frequency not consistent with disease.

Breakthrough Genomics
Classification: Benign. Review status: criteria provided, single submitter. Criteria: ACMG Guidelines, 2015. Collection method: not provided. Allele origin: germline. Inheritance: Autosomal recessive inheritance. Affected: yes.

NM_001291303.3(FAT4):c.12605-58C>T

Gene: FAT4 (FAT atypical cadherin 4; plus strand). Cytogenetic location: 4q28.1.
Variant type: single nucleotide variant.
Coding change: c.12605-58C>T on transcript NM_001291303.3 (MANE Select); 58 bases into the intron before coding-DNA position 12605, C replaced by T.
Molecular consequence: intron variant.
Genome position (GRCh38, 1-based): chr4:125,481,463, C>T. VCF-style: chr4-125481463-C-T. GRCh37 (hg19) VCF-style: chr4-126402618-C-T.
Other names: c.12605-58C>T (NM_001291285.3); c.12599-58C>T (NM_024582.6).
Identifiers: ClinVar variation 681649 (VCV000681649.4), dbSNP rs10026069, ClinGen allele CA11836210.